The following is an entry in ClinVar:

ClinVar aggregate classification (germline): Uncertain significance (1 of 4 stars; one submission).

Conditions:
Nemaline myopathy 2 (NEM2). Also called: Nemaline myopathy 2, autosomal recessive. Identifiers: MedGen C1850569, MONDO:0009725, OMIM 256030.

gnomAD v4.1: 8 of 1,613,444 alleles (0.0005%); highest among the groups gnomAD compares: African/African-American, 0.0013%; no homozygotes.

Submission:

Labcorp Genetics (formerly Invitae), Labcorp
Classification: Uncertain significance for Nemaline myopathy 2. Last evaluated: 2022-06-23. Review status: criteria provided, single submitter. Criteria: Invitae Variant Classification Sherloc (09022015). Collection method: clinical testing. Allele origin: germline.
Comment: This sequence change replaces methionine, which is neutral and non-polar, with leucine, which is neutral and non-polar, at codon 956 of the NEB protein (p.Met956Leu). This variant is not present in population databases (gnomAD no frequency). This variant has not been reported in the literature in individuals affected with NEB-related conditions. Algorithms developed to predict the effect of missense changes on protein structure and function are either unavailable or do not agree on the potential impact of this missense change (SIFT: "Deleterious"; PolyPhen-2: "Not Available"; Align-GVGD: "Class C0"). In summary, the available evidence is currently insufficient to determine the role of this variant in disease. Therefore, it has been classified as a Variant of Uncertain Significance.

NM_001164508.2(NEB):c.2866A>T (p.Met956Leu)

Gene: NEB (nebulin; minus strand). Cytogenetic location: 2q23.3.
Variant type: single nucleotide variant.
Coding change: c.2866A>T on transcript NM_001164508.2 (MANE Select); coding-DNA position 2866, A replaced by T.
Protein change: p.Met956Leu; replaces methionine 956 with leucine.
Molecular consequence: missense variant.
Genome position (GRCh38, 1-based): chr2:151,682,739, T>A on the plus strand (A>T on the coding strand, the complement: NEB is on the minus strand). VCF-style: chr2-151682739-T-A. GRCh37 (hg19) VCF-style: chr2-152539253-T-A.
Other names: c.2866A>T, p.Met956Leu (NM_001164507.2, NM_001271208.2, NM_004543.5); short protein forms M956L.
Identifiers: ClinVar variation 2063009 (VCV002063009.1), dbSNP rs201468807, ClinGen allele CA57661998.